The following is an entry in ClinVar:

ClinVar aggregate classification (germline): Uncertain significance (1 of 4 stars; one submission).

Conditions:
Hereditary cancer-predisposing syndrome. Also called: Neoplastic Syndromes, Hereditary; Tumor predisposition; Hereditary Cancer Syndrome; Hereditary neoplastic syndrome. Identifiers: Orphanet 140162, MedGen C0027672, MeSH D009386, MONDO:0015356.

Submission:

Ambry Genetics
Classification: Uncertain significance for Hereditary cancer-predisposing syndrome. Last evaluated: 2024-07-13. Review status: criteria provided, single submitter. Criteria: Ambry Variant Classification Scheme 2023. Collection method: clinical testing. Allele origin: germline.
Comment: The p.N2720S variant (also known as c.8159A>G), located in coding exon 15 of the APC gene, results from an A to G substitution at nucleotide position 8159. The asparagine at codon 2720 is replaced by serine, an amino acid with highly similar properties. This amino acid position is conserved. In addition, in silico predictors for this gene do not accurately predict pathogenicity. Based on the available evidence, the clinical significance of this variant remains unclear.

NM_000038.6(APC):c.8159A>G (p.Asn2720Ser)

Gene: APC (APC regulator of Wnt signaling pathway; plus strand). Cytogenetic location: 5q22.2.
Variant type: single nucleotide variant.
Coding change: c.8159A>G on transcript NM_000038.6 (MANE Select); coding-DNA position 8159, A replaced by G.
Protein change: p.Asn2720Ser; replaces asparagine 2720 with serine.
Molecular consequence: missense variant. On other transcripts: non-coding transcript variant (2).
Genome position (GRCh38, 1-based): chr5:112,843,753, A>G. VCF-style: chr5-112843753-A-G. GRCh37 (hg19) VCF-style: chr5-112179450-A-G.
Other names: c.8159A>G, p.Asn2720Ser (NM_001127510.3, NM_001354895.2, NM_001407450.1); c.8105A>G, p.Asn2702Ser (NM_001127511.3); c.8213A>G, p.Asn2738Ser (NM_001354896.2, NM_001407447.1, NM_001407448.1 and 1 more transcripts); c.8189A>G, p.Asn2730Ser (NM_001354897.2); c.8084A>G, p.Asn2695Ser (NM_001354898.2); c.8075A>G, p.Asn2692Ser (NM_001354899.2); c.8036A>G, p.Asn2679Ser (NM_001354900.2); c.7982A>G, p.Asn2661Ser (NM_001354901.2, NM_001407453.1); and 11 more; short protein forms N2619S, N2637S, N2679S, N2702S, N2710S, N2720S, N2730S, N2336S.
Identifiers: ClinVar variation 3409592 (VCV003409592.1).
Genomic context (GRCh38, chr5:112,843,753, plus strand): 5'-ATCAGGCAAAACAAAATGTGGGTAATGGCAGTGTTCCCATGCGTACCGTGGGTTTGGAAA[A>G]TCGCCTGAACTCCTTTATTCAGGTGGATGCCCCTGACCAAAAAGGAACTGAGATAAAACC-3'
Protein context (NP_000029.2, residues 2710-2730): SVPMRTVGLE[Asn2720Ser]RLNSFIQVDA